The following is an entry in ClinVar:

NM_004519.4(KCNQ3):c.2194G>A (p.Ala732Thr)

Gene: KCNQ3 (potassium voltage-gated channel subfamily Q member 3; minus strand). Cytogenetic location: 8q24.22.
Variant type: single nucleotide variant.
Coding change: c.2194G>A on transcript NM_004519.4 (MANE Select); coding-DNA position 2194, G replaced by A.
Protein change: p.Ala732Thr; replaces alanine 732 with threonine.
Molecular consequence: missense variant.
Genome position (GRCh38, 1-based): chr8:132,129,687, C>T on the plus strand (G>A on the coding strand, the complement: KCNQ3 is on the minus strand). VCF-style: chr8-132129687-C-T. GRCh37 (hg19) VCF-style: chr8-133141934-C-T.
Other names: p.A732T:GCA>ACA; c.1834G>A, p.Ala612Thr (NM_001204824.2); short protein forms A732T, A612T.
Identifiers: ClinVar variation 205987 (VCV000205987.4), dbSNP rs796052682, ClinGen allele CA315640.
Genomic context (GRCh38, chr8:132,129,687, plus strand): 5'-TCAAGATAGGCAGGACCGTGGGCCTCTCCACATACGTTGTTGCTGAGGAAGGAGGAGTTG[C>T]CTGAACCTTTCCAGAACTGGGTCCCCCTCGGGGCAGGTTCACAGGGTCATGTGCAAAAAA-3'
Protein context (NP_004510.1, residues 722-742): RGGPSSGKVQ[Ala732Thr]TPPSSATTYV

ClinVar aggregate classification (germline): Uncertain significance (1 of 4 stars; one submission).

Allele frequency attached by ClinVar (database versions not stated): gnomAD exomes below 0.00001.
gnomAD v4.1: 2 of 1,614,124 alleles (0.00012%); highest among the groups gnomAD compares: Middle Eastern, 0.016%; no homozygotes.

Submission:

GeneDx
Classification: Uncertain significance. Last evaluated: 2022-04-24. Review status: criteria provided, single submitter. Criteria: GeneDx Variant Classification Process June 2021. Collection method: clinical testing. Allele origin: germline. Affected: yes.
Comment: Not observed at significant frequency in large population cohorts (gnomAD); In silico analysis supports that this missense variant does not alter protein structure/function; Has not been previously published as pathogenic or benign to our knowledge